The following is an entry in ClinVar:

NM_000302.4(PLOD1):c.1902+3G>A

Gene: PLOD1 (procollagen-lysine,2-oxoglutarate 5-dioxygenase 1; plus strand). Cytogenetic location: 1p36.22.
Variant type: single nucleotide variant.
Coding change: c.1902+3G>A on transcript NM_000302.4 (MANE Select); 3 bases into the intron after coding-DNA position 1902, G replaced by A.
Molecular consequence: intron variant.
Genome position (GRCh38, 1-based): chr1:11,970,819, G>A. VCF-style: chr1-11970819-G-A. GRCh37 (hg19) VCF-style: chr1-12030876-G-A.
Other names: c.2043+3G>A (NM_001316320.2).
Identifiers: ClinVar variation 945474 (VCV000945474.8), dbSNP rs1645857795, ClinGen allele CA1139655967.

ClinVar aggregate classification (germline): Uncertain significance (1 of 4 stars; one submission).

Conditions:
Ehlers-Danlos syndrome, kyphoscoliotic type 1 (EDSKSCL1). Also called: Ehlers-Danlos syndrome, hydroxylysine-deficient; EHLERS-DANLOS SYNDROME, TYPE VIA; EHLERS-DANLOS SYNDROME, OCULAR-SCOLIOTIC TYPE; PLOD1-Related Kyphoscoliotic Ehlers-Danlos Syndrome. Identifiers: Orphanet 1900, MedGen C0268342, MONDO:0016002, OMIM 225400. Disease mechanism: loss of function.

Submission:

Labcorp Genetics (formerly Invitae), Labcorp
Classification: Uncertain significance for Ehlers-Danlos syndrome, kyphoscoliotic type 1. Last evaluated: 2019-08-01. Review status: criteria provided, single submitter. Criteria: Invitae Variant Classification Sherloc (09022015). Collection method: clinical testing. Allele origin: germline.
Comment: In summary, the available evidence is currently insufficient to determine the role of this variant in disease. Therefore, it has been classified as a Variant of Uncertain Significance. Nucleotide substitutions within the consensus splice site are a relatively common cause of aberrant splicing (PMID: 17576681, 9536098). Algorithms developed to predict the effect of sequence changes on RNA splicing suggest that this variant is not likely to affect RNA splicing, but this prediction has not been confirmed by published transcriptional studies. This variant has not been reported in the literature in individuals with PLOD1-related conditions. This variant is not present in population databases (ExAC no frequency). This sequence change falls in intron 17 of the PLOD1 gene. It does not directly change the encoded amino acid sequence of the PLOD1 protein, but it affects a nucleotide within the consensus splice site of the intron.

Literature cited by the submitters: PubMed 17576681; PubMed 9536098.